The following is an entry in ClinVar:

ClinVar aggregate classification (germline): Conflicting classifications of pathogenicity. Review status: criteria provided, conflicting classifications (1 of 4 stars). 3 submissions from 3 submitters: Uncertain significance (2); Likely benign (1). Last evaluated 2024-11-07.

Conditions:
Cardiovascular phenotype. Identifiers: MedGen CN230736.
Arrhythmogenic right ventricular cardiomyopathy (ARVD). Also called: Cardiomyopathy, ARVC; Arrhythmogenic right ventricular dysplasia; Arrhythmogenic cardiomyopathy; Arrhythmogenic Right Ventricular Cardiomyopathy (ARVC). Identifiers: Orphanet 247, MedGen C0349788, MeSH D019571, MONDO:0016587. Disease mechanism: loss of function. Inheritance: Various modes of inheritance.
Arrhythmogenic right ventricular dysplasia 9 (ARVD9). Also called: Arrhythmogenic Right Ventricular Dysplasia/Cardiomyopathy 9; ARRHYTHMOGENIC RIGHT VENTRICULAR DYSPLASIA, FAMILIAL, 9. Identifiers: MedGen C1836906, MONDO:0012180, OMIM 609040.

Submissions (3):

Labcorp Genetics (formerly Invitae), Labcorp
Classification: Uncertain significance for Arrhythmogenic right ventricular dysplasia 9. Last evaluated: 2024-11-07. Review status: criteria provided, single submitter. Criteria: Invitae Variant Classification Sherloc (09022015). Collection method: clinical testing. Allele origin: germline.
Comment: This sequence change replaces serine, which is neutral and polar, with arginine, which is basic and polar, at codon 482 of the PKP2 protein (p.Ser482Arg). This variant is not present in population databases (gnomAD no frequency). This variant has not been reported in the literature in individuals affected with PKP2-related conditions. ClinVar contains an entry for this variant (Variation ID: 1772798). An algorithm developed to predict the effect of missense changes on protein structure and function outputs the following: PolyPhen-2: "Benign". The arginine amino acid residue is found in multiple mammalian species, which suggests that this missense change does not adversely affect protein function. In summary, the available evidence is currently insufficient to determine the role of this variant in disease. Therefore, it has been classified as a Variant of Uncertain Significance.

All of Us Research Program, National Institutes of Health
Classification: Uncertain significance for Arrhythmogenic right ventricular cardiomyopathy. Last evaluated: 2023-11-20. Review status: criteria provided, single submitter. Criteria: ACMG Guidelines, 2015. Collection method: clinical testing. Allele origin: germline. Inheritance: Autosomal dominant inheritance. Observed: 1 variant allele, 1 heterozygote.
Comment: This missense variant replaces serine with arginine at codon 482 of the PKP2 protein. Computational prediction suggests that this variant may not impact protein structure and function (internally defined REVEL score threshold <= 0.5, PMID: 27666373). To our knowledge, functional studies have not been reported for this variant. This variant has not been reported in individuals affected with PKP2-related disorders in the literature. This variant has not been identified in the general population by the Genome Aggregation Database (gnomAD). The available evidence is insufficient to determine the role of this variant in disease conclusively. Therefore, this variant is classified as a Variant of Uncertain Significance.

This study involves interpretation of variants in research participants for the purpose of population health screening. Participant phenotype was not available at the time of variant classification. Additional details can be found in publication PMID: 35346344, PMCID: PMC8962531

Ambry Genetics
Classification: Likely benign for Cardiovascular phenotype. Last evaluated: 2020-08-25. Review status: criteria provided, single submitter. Criteria: Ambry Variant Classification Scheme 2023. Collection method: clinical testing. Allele origin: germline.

NM_001005242.3(PKP2):c.1379-2041C>A

Gene: PKP2 (plakophilin 2; minus strand). Cytogenetic location: 12p11.21.
Variant type: single nucleotide variant.
Coding change: c.1379-2041C>A on transcript NM_001005242.3 (MANE Select); 2041 bases into the intron before coding-DNA position 1379, C replaced by A.
Molecular consequence: intron variant. On other transcripts: missense variant (2).
Genome position (GRCh38, 1-based): chr12:32,843,246, G>T on the plus strand (C>A on the coding strand, the complement: PKP2 is on the minus strand). VCF-style: chr12-32843246-G-T. GRCh37 (hg19) VCF-style: chr12-32996180-G-T.
Other names: c.1446C>A, p.Ser482Arg (NM_001407157.1, NM_004572.4); short protein forms S482R.
Identifiers: ClinVar variation 1772798 (VCV001772798.5), dbSNP rs2541270276, ClinGen allele CA384368670.